The following is an entry in ClinVar:

NM_001378454.1(ALMS1):c.8272C>T (p.Gln2758Ter)

Gene: ALMS1 (ALMS1 centrosome and basal body associated protein; plus strand). Cytogenetic location: 2p13.1.
Variant type: single nucleotide variant.
Coding change: c.8272C>T on transcript NM_001378454.1 (MANE Select); coding-DNA position 8272, C replaced by T.
Protein change: p.Gln2758Ter; replaces glutamine 2758 with a stop codon.
Molecular consequence: nonsense.
Genome position (GRCh38, 1-based): chr2:73,490,231, C>T. VCF-style: chr2-73490231-C-T. GRCh37 (hg19) VCF-style: chr2-73717358-C-T.
Other names: c.8275C>T, p.Gln2759Ter (NM_015120.4); short protein forms Q2758*, Q2759*.
Identifiers: ClinVar variation 3607743 (VCV003607743.2).

ClinVar aggregate classification (germline): Pathogenic (1 of 4 stars; one submission).

Conditions:
Alstrom syndrome (ALMS). Identifiers: Orphanet 64, MedGen C0268425, MONDO:0008763, OMIM 203800.

gnomAD v4.1: 1 of 1,614,066 alleles (0.000062%); highest among the groups gnomAD compares: Non-Finnish European, 0.000085%; no homozygotes.

Submission:

Labcorp Genetics (formerly Invitae), Labcorp
Classification: Pathogenic for Alstrom syndrome. Last evaluated: 2025-02-02. Review status: criteria provided, single submitter. Criteria: Invitae Variant Classification Sherloc (09022015). Collection method: clinical testing. Allele origin: germline.
Comment: This sequence change creates a premature translational stop signal (p.Gln2759*) in the ALMS1 gene. It is expected to result in an absent or disrupted protein product. Loss-of-function variants in ALMS1 are known to be pathogenic (PMID: 17594715). This variant is present in population databases (rs756042345, gnomAD 0.004%). This premature translational stop signal has been observed in individual(s) with Alström syndrome (PMID: 19283855). For these reasons, this variant has been classified as Pathogenic.

Literature cited by the submitters: PubMed 17594715; PubMed 19283855.